The following is an entry in ClinVar:

NM_001330691.3(CEP78):c.1327G>T (p.Glu443Ter)

Gene: CEP78 (centrosomal protein 78; plus strand). Cytogenetic location: 9q21.2.
Variant type: single nucleotide variant.
Coding change: c.1327G>T on transcript NM_001330691.3 (MANE Select); coding-DNA position 1327, G replaced by T.
Protein change: p.Glu443Ter; replaces glutamic acid 443 with a stop codon.
Molecular consequence: nonsense.
Genome position (GRCh38, 1-based): chr9:78,254,911, G>T. VCF-style: chr9-78254911-G-T. GRCh37 (hg19) VCF-style: chr9-80869827-G-T.
Other names: c.1330G>T, p.Glu444Ter (NM_001098802.3, NM_001349839.2, NM_001349840.2 and 1 more transcripts); c.1327G>T, p.Glu443Ter (NM_001330693.3, NM_001330694.2, NM_001349838.2); short protein forms E444*, E443*.
Identifiers: ClinVar variation 2706480 (VCV002706480.3), dbSNP rs1212299137, ClinGen allele CA373860972.

ClinVar aggregate classification (germline): Pathogenic (1 of 4 stars; one submission).

Allele frequency attached by ClinVar (database versions not stated): gnomAD exomes 0.00001.
gnomAD v4.1: 3 of 1,611,194 alleles (0.00019%); highest among the groups gnomAD compares: South Asian, 0.0022%; no homozygotes.

Submission:

Labcorp Genetics (formerly Invitae), Labcorp
Classification: Pathogenic. Last evaluated: 2023-12-30. Review status: criteria provided, single submitter. Criteria: Invitae Variant Classification Sherloc (09022015). Collection method: clinical testing. Allele origin: germline.
Comment: This sequence change creates a premature translational stop signal (p.Glu444*) in the CEP78 gene. It is expected to result in an absent or disrupted protein product. Loss-of-function variants in CEP78 are known to be pathogenic (PMID: 27588451, 27588452, 27627988). This variant is present in population databases (no rsID available, gnomAD 0.003%). This variant has not been reported in the literature in individuals affected with CEP78-related conditions. For these reasons, this variant has been classified as Pathogenic.

Literature cited by the submitters: PubMed 27588451; PubMed 27588452; PubMed 27627988.